The following is an entry in ClinVar:

ClinVar aggregate classification (germline): Likely benign (0 of 4 stars; one submission).

Conditions:
KIDINS220-related disorder. Also called: KIDINS220-related condition.

gnomAD v4.1: 9 of 1,613,820 alleles (0.00056%); highest among the groups gnomAD compares: East Asian, 0.0089%; no homozygotes.

Submission:

PreventionGenetics, part of Exact Sciences
Classification: Likely benign for KIDINS220-related condition. Last evaluated: 2023-07-20. Review status: no assertion criteria provided. Collection method: clinical testing. Allele origin: germline.
Comment: This variant is classified as likely benign based on ACMG/AMP sequence variant interpretation guidelines (Richards et al. 2015 PMID: 25741868, with internal and published modifications).

NM_020738.4(KIDINS220):c.3900G>A (p.Pro1300=)

Gene: KIDINS220 (kinase D interacting substrate 220; minus strand). Cytogenetic location: 2p25.1.
Variant type: single nucleotide variant.
Coding change: c.3900G>A on transcript NM_020738.4 (MANE Select); coding-DNA position 3900, G replaced by A.
Protein change: p.Pro1300=; no amino-acid change (proline 1300 retained).
Molecular consequence: synonymous variant. On other transcripts: non-coding transcript variant (2).
Genome position (GRCh38, 1-based): chr2:8,733,597, C>T on the plus strand (G>A on the coding strand, the complement: KIDINS220 is on the minus strand). VCF-style: chr2-8733597-C-T. GRCh37 (hg19) VCF-style: chr2-8873727-C-T.
Other names: c.3903G>A, p.Pro1301= (NM_001348729.2); c.3846G>A, p.Pro1282= (NM_001348731.2); c.3843G>A, p.Pro1281= (NM_001348732.2, NM_001348738.2); c.3732G>A, p.Pro1244= (NM_001348734.2, NM_001348739.2, NM_001348740.2); c.3729G>A, p.Pro1243= (NM_001348735.2, NM_001348741.2, NM_001348742.2 and 1 more transcripts); c.3603G>A, p.Pro1201= (NM_001348736.2).
Identifiers: ClinVar variation 3355903 (VCV003355903.1).